The following is an entry in ClinVar:

NM_152501.5(PYHIN1):c.1406G>A (p.Arg469Lys)

Gene: PYHIN1 (pyrin and HIN domain family member 1; plus strand). Cytogenetic location: 1q23.1.
Variant type: single nucleotide variant.
Coding change: c.1406G>A on transcript NM_152501.5 (MANE Select); coding-DNA position 1406, G replaced by A.
Protein change: p.Arg469Lys; replaces arginine 469 with lysine.
Molecular consequence: missense variant. On other transcripts: intron variant (2).
Genome position (GRCh38, 1-based): chr1:158,973,693, G>A. VCF-style: chr1-158973693-G-A. GRCh37 (hg19) VCF-style: chr1-158943483-G-A.
Other names: c.1379G>A, p.Arg460Lys (NM_198928.5); c.1360-3008G>A (NM_198929.5); c.1333-3008G>A (NM_198930.4); short protein forms R460K, R469K.
Identifiers: ClinVar variation 3038540 (VCV003038540.2), dbSNP rs139161219, ClinGen allele CA1186232.
Genomic context (GRCh38, chr1:158,973,693, plus strand): 5'-ATTTATGACTCCAGAAGGATGAAACCCACCCAGGAGCACAGTCATCGCCTGCAAACTTTA[G>A]AATCACCTCACCAACTGTGGCCCCTCCTCTTTCTTCTGACACTTCCACCAACCGCCATCC-3'
Protein context (NP_689714.2, residues 459-479): PGAQSSPANF[Arg469Lys]ITSPTVAPPL

ClinVar aggregate classification (germline): Benign (0 of 4 stars; one submission).

Conditions:
PYHIN1-related disorder. Also called: PYHIN1-related condition.

Allele frequency attached by ClinVar (database versions not stated): 1000 Genomes Project 30x 0.00390; 1000 Genomes Project 0.00439; ExAC 0.00826; gnomAD 0.00895; TOPMed 0.01015; ESP Exome Variant Server 0.01307; gnomAD exomes 0.01395.
gnomAD v4.1: 21,830 of 1,613,116 alleles (1.4%); highest among the groups gnomAD compares: Non-Finnish European, 1.7%; 207 homozygotes.

Submission:

PreventionGenetics, part of Exact Sciences
Classification: Benign for PYHIN1-related condition. Last evaluated: 2020-04-29. Review status: no assertion criteria provided. Collection method: clinical testing. Allele origin: germline.
Comment: This variant is classified as benign based on ACMG/AMP sequence variant interpretation guidelines (Richards et al. 2015 PMID: 25741868, with internal and published modifications).